The following is an entry in ClinVar:

ClinVar aggregate classification (germline): Uncertain significance (1 of 4 stars; one submission).

gnomAD v4.1: 1 of 1,551,832 alleles (0.000064%); highest among the groups gnomAD compares: Non-Finnish European, 0.000087%; no homozygotes.

Submission:

Labcorp Genetics (formerly Invitae), Labcorp
Classification: Uncertain significance for Combined immunodeficiency due to DOCK8 deficiency. Last evaluated: 2024-10-29. Review status: criteria provided, single submitter. Criteria: Invitae Variant Classification Sherloc (09022015). Collection method: clinical testing. Allele origin: germline.
Comment: This sequence change replaces serine, which is neutral and polar, with glycine, which is neutral and non-polar, at codon 43 of the DOCK8 protein (p.Ser43Gly). This variant is not present in population databases (gnomAD no frequency). This variant has not been reported in the literature in individuals affected with DOCK8-related conditions. ClinVar contains an entry for this variant (Variation ID: 1719803). An algorithm developed to predict the effect of missense changes on protein structure and function (PolyPhen-2) suggests that this variant¬†is likely to be tolerated. In summary, the available evidence is currently insufficient to determine the role of this variant in disease. Therefore, it has been classified as a Variant of Uncertain Significance.

NM_203447.4(DOCK8):c.127A>G (p.Ser43Gly)

Gene: DOCK8 (dedicator of cytokinesis 8; plus strand). Cytogenetic location: 9p24.3.
Variant type: single nucleotide variant.
Coding change: c.127A>G on transcript NM_203447.4 (MANE Select); coding-DNA position 127, A replaced by G.
Protein change: p.Ser43Gly; replaces serine 43 with glycine.
Molecular consequence: missense variant.
Genome position (GRCh38, 1-based): chr9:271,700, A>G. VCF-style: chr9-271700-A-G. GRCh37 (hg19) VCF-style: chr9-271700-A-G.
Other names: short protein forms S43G.
Identifiers: ClinVar variation 1719803 (VCV001719803.5), dbSNP rs2537456155, ClinGen allele CA372752403.